The following is an entry in ClinVar:

ClinVar aggregate classification (germline): Uncertain significance (1 of 4 stars; one submission).

gnomAD v4.1: 5 of 1,613,948 alleles (0.00031%); highest among the groups gnomAD compares: African/African-American, 0.0053%; no homozygotes.

Submission:

CeGaT Center for Human Genetics Tuebingen
Classification: Uncertain significance. Last evaluated: 2024-07-01. Review status: criteria provided, single submitter. Criteria: CeGaT Center For Human Genetics Tuebingen Variant Classification Criteria Version 2. Collection method: clinical testing. Allele origin: germline. Affected: yes. Observed: 1 variant allele.
Comment: ATP2B2: PM2, BP4

NM_001001331.4(ATP2B2):c.781+8T>G

Gene: ATP2B2 (ATPase plasma membrane Ca2+ transporting 2; minus strand). Cytogenetic location: 3p25.3.
Variant type: single nucleotide variant.
Coding change: c.781+8T>G on transcript NM_001001331.4 (MANE Select); 8 bases into the intron after coding-DNA position 781, T replaced by G.
Molecular consequence: intron variant.
Genome position (GRCh38, 1-based): chr3:10,400,945, A>C on the plus strand (T>G on the coding strand, the complement: ATP2B2 is on the minus strand). VCF-style: chr3-10400945-A-C. GRCh37 (hg19) VCF-style: chr3-10442629-A-C.
Other names: c.781+8T>G (NM_001353564.1, NM_001683.5, NM_001330611.3 and 1 more transcripts).
Identifiers: ClinVar variation 3257230 (VCV003257230.17).